The following is an entry in ClinVar:

ClinVar aggregate classification (germline): Pathogenic (1 of 4 stars; one submission).

Conditions:
Niemann-Pick disease, type C1. Also called: NEUROVISCERAL STORAGE DISEASE WITH VERTICAL SUPRANUCLEAR OPHTHALMOPLEGIA; NIEMANN-PICK DISEASE WITH CHOLESTEROL ESTERIFICATION BLOCK; NIEMANN-PICK DISEASE WITHOUT SPHINGOMYELINASE DEFICIENCY; NIEMANN-PICK DISEASE, CHRONIC NEURONOPATHIC FORM; NIEMANN-PICK DISEASE, VARIANT TYPE C1. Identifiers: Orphanet 646, MedGen C3179455, MONDO:0009757, OMIM 257220.

Submission:

Myriad Genetics, Inc.
Classification: Pathogenic for Niemann-Pick disease, type C1. Last evaluated: 2023-08-10. Review status: criteria provided, single submitter. Criteria: Myriad Autosomal Dominant, Autosomal Recessive and X-Linked Classification Criteria (2023). Collection method: clinical testing. Allele origin: unknown.
Comment: NM_000271.4(NPC1):c.2205_2214del10ins3(M735Ifs*8) is expected to be pathogenic in the context of Niemann-Pick disease type C1. This variant is predicted to lead to an abnormal or absent protein product due to the creation of a premature termination codon in NPC1, a gene where loss-of-function variants are known to be pathogenic. Please note: this variant was assessed in the context of healthy population screening.

NM_000271.5(NPC1):c.2205_2214delinsATT (p.Met735fs)

Gene: NPC1 (NPC intracellular cholesterol transporter 1; minus strand). Cytogenetic location: 18q11.2.
Variant type: Indel.
Coding change: c.2205_2214delinsATT on transcript NM_000271.5 (MANE Select); coding-DNA positions 2205 to 2214, GTTCCTGTCA replaced by ATT.
Protein change: p.Met735fs; shifts the reading frame from methionine 735.
Molecular consequence: frameshift variant.
Genome position (GRCh38, 1-based): chr18:23,543,486-23,543,495, TGACAGGAAC replaced by AAT on the plus strand (GTTCCTGTCA replaced by ATT on the coding strand, the reverse complement: NPC1 is on the minus strand). VCF-style: chr18-23543486-TGACAGGAAC-AAT. GRCh37 (hg19) VCF-style: chr18-21123450-TGACAGGAAC-AAT.
Other names: short protein forms M735fs.
Identifiers: ClinVar variation 5011286 (VCV005011286.1).